The following is an entry in ClinVar:

ClinVar aggregate classification (germline): Uncertain significance (1 of 4 stars; one submission).

Conditions:
Immunodeficiency 104. Also called: Severe combined immunodeficiency, autosomal recessive, T cell-negative, B cell-positive, NK cell-positive; IMMUNODEFICIENCY 104, SEVERE COMBINED; SCID, AUTOSOMAL RECESSIVE, T CELL-NEGATIVE, B CELL-POSITIVE, NK CELL-POSITIVE; Severe Combined Immune Deficiency, Autosomal Recessive, TCell -Negative, B Cell-Positive, NK Cell-Positive, IL7R-Related. Identifiers: MedGen C5676890, MONDO:0012163, OMIM 608971.

Allele frequency attached by ClinVar (database versions not stated): gnomAD exomes below 0.00001; gnomAD 0.00001; TOPMed 0.00001.
gnomAD v4.1: 2 of 1,613,968 alleles (0.00012%); highest among the groups gnomAD compares: African/African-American, 0.0013%; no homozygotes.

Submission:

Labcorp Genetics (formerly Invitae), Labcorp
Classification: Uncertain significance for Immunodeficiency 104. Last evaluated: 2024-10-29. Review status: criteria provided, single submitter. Criteria: Invitae Variant Classification Sherloc (09022015). Collection method: clinical testing. Allele origin: germline.
Comment: This sequence change replaces leucine, which is neutral and non-polar, with valine, which is neutral and non-polar, at codon 76 of the PTPRC protein (p.Leu76Val). This variant is not present in population databases (gnomAD no frequency). This variant has not been reported in the literature in individuals affected with PTPRC-related conditions. ClinVar contains an entry for this variant (Variation ID: 1063547). An algorithm developed to predict the effect of missense changes on protein structure and function (PolyPhen-2) suggests that this variant is likely to be tolerated. In summary, the available evidence is currently insufficient to determine the role of this variant in disease. Therefore, it has been classified as a Variant of Uncertain Significance.

NM_002838.5(PTPRC):c.226C>G (p.Leu76Val)

Gene: PTPRC (protein tyrosine phosphatase receptor type C; plus strand). Cytogenetic location: 1q31.3.
Variant type: single nucleotide variant.
Coding change: c.226C>G on transcript NM_002838.5 (MANE Select); coding-DNA position 226, C replaced by G.
Protein change: p.Leu76Val; replaces leucine 76 with valine.
Molecular consequence: missense variant. On other transcripts: intron variant (1).
Genome position (GRCh38, 1-based): chr1:198,696,837, C>G. VCF-style: chr1-198696837-C-G. GRCh37 (hg19) VCF-style: chr1-198665966-C-G.
Other names: c.100+4464C>G (NM_080921.4); short protein forms L76V.
Identifiers: ClinVar variation 1063547 (VCV001063547.9), dbSNP rs975885112, ClinGen allele CA36182375.